The following is an entry in ClinVar:

NM_000297.4(PKD2):c.346del (p.Asp115_Val116insTer)

Genes: PKD2 (polycystin 2, transient receptor potential cation channel; plus strand), LOC129992813 (ATAC-STARR-seq lymphoblastoid silent region 15559; plus strand). Cytogenetic location: 4q22.1.
Variant type: Deletion.
Coding change: c.346del on transcript NM_000297.4 (MANE Select); coding-DNA position 346, one base deleted (G; older notation c.346delG).
Protein change: p.Asp115_Val116insTer.
Molecular consequence: nonsense. On other transcripts: non-coding transcript variant (1).
Genome position (GRCh38, 1-based): chr4:88,008,079, G deleted. VCF-style (leftmost placement, unchanged base first): chr4-88008078-CG-C. GRCh37 (hg19) VCF-style: chr4-88929230-CG-C.
Identifiers: ClinVar variation 3769841 (VCV003769841.1).

ClinVar aggregate classification (germline): Pathogenic (1 of 4 stars; one submission).

Submission:

GeneDx
Classification: Pathogenic. Last evaluated: 2024-09-11. Review status: criteria provided, single submitter. Criteria: GeneDx Variant Classification Process June 2021. Collection method: clinical testing. Allele origin: germline. Affected: yes.
Comment: Nonsense variant predicted to result in protein truncation or nonsense mediated decay in a gene for which loss of function is a known mechanism of disease; Not observed at significant frequency in large population cohorts (gnomAD); Has not been previously published as pathogenic or benign to our knowledge